The following is an entry in ClinVar:

ClinVar aggregate classification (germline): Uncertain significance (1 of 4 stars; one submission).

Submission:

GeneDx
Classification: Uncertain significance. Last evaluated: 2023-07-06. Review status: criteria provided, single submitter. Criteria: GeneDx Variant Classification Process June 2021. Collection method: clinical testing. Allele origin: germline. Affected: yes.
Comment: Not observed at significant frequency in large population cohorts (gnomAD); In silico analysis supports that this missense variant has a deleterious effect on protein structure/function; Has not been previously published as pathogenic or benign to our knowledge.

NM_017780.4(CHD7):c.4209A>G (p.Ile1403Met)

Gene: CHD7 (chromodomain helicase DNA binding protein 7; plus strand). Cytogenetic location: 8q12.2.
Variant type: single nucleotide variant.
Coding change: c.4209A>G on transcript NM_017780.4 (MANE Select); coding-DNA position 4209, A replaced by G.
Protein change: p.Ile1403Met; replaces isoleucine 1403 with methionine.
Molecular consequence: missense variant. On other transcripts: intron variant (1).
Genome position (GRCh38, 1-based): chr8:60,837,691, A>G. VCF-style: chr8-60837691-A-G. GRCh37 (hg19) VCF-style: chr8-61750250-A-G.
Other names: c.1717-24538A>G (NM_001316690.1); short protein forms I1403M.
Identifiers: ClinVar variation 3359993 (VCV003359993.1).
Genomic context (GRCh38, chr8:60,837,691, plus strand): 5'-TTCATTGCAGTAACTATTAATTTCATTTTTCTTCCAGGCTCAGGCTAGATGTCATAGAAT[A>G]GGACAGAGCAAATCTGTGAAAATCTACAGGCTGATTACAAGAAATTCCTATGAAAGGGAA-3'
Protein context (NP_060250.2, residues 1393-1413): DLQAQARCHR[Ile1403Met]GQSKSVKIYR